The following is an entry in ClinVar:

NM_006206.6(PDGFRA):c.2146A>G (p.Ser716Gly)

Gene: PDGFRA (platelet derived growth factor receptor alpha; plus strand). Cytogenetic location: 4q12.
Variant type: single nucleotide variant.
Coding change: c.2146A>G on transcript NM_006206.6 (MANE Select); coding-DNA position 2146, A replaced by G.
Protein change: p.Ser716Gly; replaces serine 716 with glycine.
Molecular consequence: missense variant.
Genome position (GRCh38, 1-based): chr4:54,278,505, A>G. VCF-style: chr4-54278505-A-G. GRCh37 (hg19) VCF-style: chr4-55144672-A-G.
Other names: c.2146A>G, p.Ser716Gly (NM_001347827.2, NM_001347829.2); c.2221A>G, p.Ser741Gly (NM_001347828.2); c.2185A>G, p.Ser729Gly (NM_001347830.2); short protein forms S716G, S741G, S729G.
Identifiers: ClinVar variation 666164 (VCV000666164.13), dbSNP rs1553905049, ClinGen allele CA356894150.

ClinVar aggregate classification (germline): Uncertain significance. Review status: criteria provided, multiple submitters, no conflicts (2 of 4 stars). 3 submissions from 3 submitters: Uncertain significance (3). Last evaluated 2025-12-22.

Conditions:
Hereditary cancer-predisposing syndrome. Also called: Neoplastic Syndromes, Hereditary; Tumor predisposition; Hereditary Cancer Syndrome; Hereditary neoplastic syndrome. Identifiers: Orphanet 140162, MedGen C0027672, MeSH D009386, MONDO:0015356.
Gastrointestinal stromal tumor. Also called: Gastrointestinal stromal tumor, somatic; Gastrointestinal stroma tumor. Identifiers: Orphanet 44890, MedGen C0238198, MeSH D046152, MONDO:0011719, OMIM 606764, HP:0100723.

Allele frequency attached by ClinVar (database versions not stated): gnomAD exomes below 0.00001; TOPMed below 0.00001.
gnomAD v4.1: 2 of 1,614,122 alleles (0.00012%); highest among the groups gnomAD compares: Non-Finnish European, 0.00017%; no homozygotes.

Submissions (3):

Labcorp Genetics (formerly Invitae), Labcorp
Classification: Uncertain significance for Gastrointestinal stromal tumor. Last evaluated: 2025-12-22. Review status: criteria provided, single submitter. Criteria: Invitae Variant Classification Sherloc (09022015). Collection method: clinical testing. Allele origin: germline.
Comment: This sequence change replaces serine, which is neutral and polar, with glycine, which is neutral and non-polar, at codon 716 of the PDGFRA protein (p.Ser716Gly). This variant is not present in population databases (gnomAD no frequency). This variant has not been reported in the literature in individuals affected with PDGFRA-related conditions. ClinVar contains an entry for this variant (Variation ID: 666164). Invitae Evidence Modeling of protein sequence and biophysical properties (such as structural, functional, and spatial information, amino acid conservation, physicochemical variation, residue mobility, and thermodynamic stability) indicates that this missense variant is not expected to disrupt PDGFRA protein function with a negative predictive value of 80%. In summary, the available evidence is currently insufficient to determine the role of this variant in disease. Therefore, it has been classified as a Variant of Uncertain Significance.

Ambry Genetics
Classification: Uncertain significance for Hereditary cancer-predisposing syndrome. Last evaluated: 2025-07-22. Review status: criteria provided, single submitter. Criteria: Ambry Variant Classification Scheme 2023. Collection method: clinical testing. Allele origin: germline.
Comment: The p.S716G variant (also known as c.2146A>G), located in coding exon 14 of the PDGFRA gene, results from an A to G substitution at nucleotide position 2146. The serine at codon 716 is replaced by glycine, an amino acid with similar properties. This variant was reported in individual(s) with features consistent with PDGFRA-related gastrointestinal stromal tumor syndrome (Ambry internal data). This amino acid position is highly conserved in available vertebrate species. In addition, the in silico prediction for this alteration is inconclusive. Based on the available evidence, the clinical significance of this variant remains unclear.

GeneDx
Classification: Uncertain significance. Last evaluated: 2023-03-13. Review status: criteria provided, single submitter. Criteria: GeneDx Variant Classification Process June 2021. Collection method: clinical testing. Allele origin: germline. Affected: yes.
Comment: Not observed at significant frequency in large population cohorts (gnomAD); In silico analysis supports that this missense variant does not alter protein structure/function; Has not been previously published as pathogenic or benign to our knowledge